The following is an entry in ClinVar:

NM_001370259.2(MEN1):c.345T>C (p.Arg115=)

Gene: MEN1 (menin 1; minus strand). Cytogenetic location: 11q13.1.
Variant type: single nucleotide variant.
Coding change: c.345T>C on transcript NM_001370259.2 (MANE Select); coding-DNA position 345, T replaced by C.
Protein change: p.Arg115=; no amino-acid change (arginine 115 retained).
Molecular consequence: synonymous variant.
Genome position (GRCh38, 1-based): chr11:64,809,765, A>G on the plus strand (T>C on the coding strand, the complement: MEN1 is on the minus strand). VCF-style: chr11-64809765-A-G. GRCh37 (hg19) VCF-style: chr11-64577237-A-G.
Other names: c.345T>C, p.Arg115= (NM_000244.4, NM_001370251.2, NM_001370260.2 and 9 more transcripts); c.345T>C (NM_000244.3).
Identifiers: ClinVar variation 527316 (VCV000527316.26), dbSNP rs748948131, ClinGen allele CA061085.

ClinVar aggregate classification (germline): Benign/Likely benign. Review status: criteria provided, multiple submitters, no conflicts (2 of 4 stars). 6 submissions from 6 submitters: Benign (1); Likely benign (4). 1 of the submissions does not count toward it. Last evaluated 2025-12-24.

Conditions:
Multiple endocrine neoplasia, type 1 (MEN1). Also called: Endocrine adenomatosis multiple; MEN 1; MEA I; MEN I; WERMER SYNDROME. Identifiers: Orphanet 652, MedGen C0025267, MeSH D018761, MONDO:0007540, OMIM 131100.
Hereditary cancer-predisposing syndrome. Also called: Neoplastic Syndromes, Hereditary; Hereditary Cancer Syndrome; Tumor predisposition; Hereditary neoplastic syndrome. Identifiers: Orphanet 140162, MedGen C0027672, MeSH D009386, MONDO:0015356.
MEN1-related disorder. Also called: MEN1-related condition.

Allele frequency attached by ClinVar (database versions not stated): TOPMed below 0.00001; gnomAD 0.00001; gnomAD exomes 0.00001 and 0.00002; ExAC 0.00002.
gnomAD v4.1: 16 of 1,613,712 alleles (0.00099%); highest among the groups gnomAD compares: Non-Finnish European, 0.0011%; no homozygotes.

Submissions (6):

Labcorp Genetics (formerly Invitae), Labcorp
Classification: Likely benign for Multiple endocrine neoplasia, type 1. Last evaluated: 2025-12-24. Review status: criteria provided, single submitter. Criteria: Invitae Variant Classification Sherloc (09022015). Collection method: clinical testing. Allele origin: germline.

CeGaT Center for Human Genetics Tuebingen
Classification: Likely benign. Last evaluated: 2025-08-01. Review status: criteria provided, single submitter. Criteria: CeGaT Center For Human Genetics Tuebingen Variant Classification Criteria Version 2. Collection method: clinical testing. Allele origin: germline. Affected: yes. Observed: 1 variant allele.
Comment: MEN1: BP4, BP7

Myriad Genetics, Inc.
Classification: Benign for Multiple endocrine neoplasia, type 1. Last evaluated: 2024-10-31. Review status: criteria provided, single submitter. Criteria: Myriad Autosomal Dominant, Autosomal Recessive and X-Linked Classification Criteria (2023). Collection method: clinical testing. Allele origin: unknown.
Comment: This variant is considered benign. This variant is a silent/synonymous amino acid change and it is not expected to impact splicing.

All of Us Research Program, National Institutes of Health
Classification: Likely benign for Multiple endocrine neoplasia, type 1. Last evaluated: 2023-09-17. Review status: criteria provided, single submitter. Criteria: ACMG Guidelines, 2015. Collection method: clinical testing. Allele origin: germline. Inheritance: Autosomal dominant inheritance. Observed: 1 variant allele, 1 heterozygote.
Comment: This study involves interpretation of variants in research participants for the purpose of population health screening. Participant phenotype was not available at the time of variant classification. Additional details can be found in publication PMID: 35346344, PMCID: PMC8962531

Ambry Genetics
Classification: Likely benign for Hereditary cancer-predisposing syndrome. Last evaluated: 2021-02-10. Review status: criteria provided, single submitter. Criteria: Ambry Variant Classification Scheme 2023. Collection method: clinical testing. Allele origin: germline.

PreventionGenetics, part of Exact Sciences
Classification: Likely benign for MEN1-related condition. Last evaluated: 2019-12-04. Review status: no assertion criteria provided. Collection method: clinical testing. Allele origin: germline. Not counted in ClinVar's aggregate classification.
Comment: This variant is classified as likely benign based on ACMG/AMP sequence variant interpretation guidelines (Richards et al. 2015 PMID: 25741868, with internal and published modifications).